The following is an entry in ClinVar:

ClinVar aggregate classification (germline): Uncertain significance. Review status: criteria provided, multiple submitters, no conflicts (2 of 4 stars). 2 submissions from 2 submitters: Uncertain significance (2). Last evaluated 2025-08-13.

Conditions:
Neurofibromatosis, type 1 (NF1). Also called: NEUROFIBROMATOSIS, TYPE I, SOMATIC; Neurofibromatosis, type I; Peripheral type neurofibromatosis; VON RECKLINGHAUSEN DISEASE. Identifiers: Orphanet 636, MedGen C0027831, MONDO:0018975, OMIM 162200. Disease mechanism: loss of function.
Hereditary cancer-predisposing syndrome. Also called: Hereditary Cancer Syndrome; Hereditary neoplastic syndrome; Neoplastic Syndromes, Hereditary; Tumor predisposition. Identifiers: Orphanet 140162, MedGen C0027672, MeSH D009386, MONDO:0015356.
Cardiovascular phenotype. Identifiers: MedGen CN230736.

Submissions (2):

Labcorp Genetics (formerly Invitae), Labcorp
Classification: Uncertain significance for Neurofibromatosis, type 1. Last evaluated: 2025-08-13. Review status: criteria provided, single submitter. Criteria: Invitae Variant Classification Sherloc (09022015). Collection method: clinical testing. Allele origin: germline.
Comment: This sequence change replaces histidine, which is basic and polar, with arginine, which is basic and polar, at codon 2769 of the NF1 protein (p.His2769Arg). This variant is not present in population databases (gnomAD no frequency). This variant has not been reported in the literature in individuals affected with NF1-related conditions. ClinVar contains an entry for this variant (Variation ID: 3404645). Invitae Evidence Modeling of protein sequence and biophysical properties (such as structural, functional, and spatial information, amino acid conservation, physicochemical variation, residue mobility, and thermodynamic stability) indicates that this missense variant is not expected to disrupt NF1 protein function with a negative predictive value of 95%. In summary, the available evidence is currently insufficient to determine the role of this variant in disease. Therefore, it has been classified as a Variant of Uncertain Significance.

Ambry Genetics
Classification: Uncertain significance for Cardiovascular phenotype; Hereditary cancer-predisposing syndrome. Last evaluated: 2024-06-27. Review status: criteria provided, single submitter. Criteria: Ambry Variant Classification Scheme 2023. Collection method: clinical testing. Allele origin: germline.
Comment: The p.H2769R variant (also known as c.8306A>G), located in coding exon 56 of the NF1 gene, results from an A to G substitution at nucleotide position 8306. The histidine at codon 2769 is replaced by arginine, an amino acid with highly similar properties. This amino acid position is conserved. In addition, this alteration is predicted to be tolerated by in silico analysis. Based on the available evidence, the clinical significance of this variant remains unclear.

NM_001042492.3(NF1):c.8369A>G (p.His2790Arg)

Gene: NF1 (neurofibromin 1; plus strand). Cytogenetic location: 17q11.2.
Variant type: single nucleotide variant.
Coding change: c.8369A>G on transcript NM_001042492.3 (MANE Select); coding-DNA position 8369, A replaced by G.
Protein change: p.His2790Arg; replaces histidine 2790 with arginine.
Molecular consequence: missense variant.
Genome position (GRCh38, 1-based): chr17:31,360,695, A>G. VCF-style: chr17-31360695-A-G. GRCh37 (hg19) VCF-style: chr17-29687713-A-G.
Other names: c.8306A>G, p.His2769Arg (NM_000267.4); short protein forms H2769R, H2790R.
Identifiers: ClinVar variation 3404645 (VCV003404645.2).